The following is an entry in ClinVar:

ClinVar aggregate classification (germline): Likely benign. Review status: criteria provided, multiple submitters, no conflicts (2 of 4 stars). 3 submissions from 3 submitters: Likely benign (2). 1 of the submissions does not count toward it. Last evaluated 2024-02-08.

Conditions:
FANCA-related disorder. Also called: FANCA-related condition.
Fanconi anemia (FA). Also called: Fanconi's anemia. Identifiers: Orphanet 84, MedGen C0015625, MeSH D005199, MONDO:0019391.

Allele frequency attached by ClinVar (database versions not stated): gnomAD exomes 0.00001 and 0.00004; ExAC 0.00003; gnomAD 0.00007 and 0.00009; TOPMed 0.00015; ESP Exome Variant Server 0.00023.

Submissions (3):

Labcorp Genetics (formerly Invitae), Labcorp
Classification: Likely benign for Fanconi anemia. Last evaluated: 2024-02-08. Review status: criteria provided, single submitter. Criteria: Invitae Variant Classification Sherloc (09022015). Collection method: clinical testing. Allele origin: germline.

Blueprint Genetics
Classification: Likely benign. Last evaluated: 2022-05-16. Review status: criteria provided, single submitter. Criteria: ACMG Guidelines, 2015. Collection method: clinical testing. Allele origin: germline.

PreventionGenetics, part of Exact Sciences
Classification: Likely benign for FANCA-related condition. Last evaluated: 2023-02-27. Review status: no assertion criteria provided. Collection method: clinical testing. Allele origin: germline. Not counted in ClinVar's aggregate classification.
Comment: This variant is classified as likely benign based on ACMG/AMP sequence variant interpretation guidelines (Richards et al. 2015 PMID: 25741868, with internal and published modifications).

NM_000135.4(FANCA):c.1567-6C>T

Gene: FANCA (FA complementation group A; minus strand). Cytogenetic location: 16q24.3.
Variant type: single nucleotide variant.
Coding change: c.1567-6C>T on transcript NM_000135.4 (MANE Select); 6 bases into the intron before coding-DNA position 1567, C replaced by T.
Molecular consequence: intron variant.
Genome position (GRCh38, 1-based): chr16:89,782,924, G>A on the plus strand (C>T on the coding strand, the complement: FANCA is on the minus strand). VCF-style: chr16-89782924-G-A. GRCh37 (hg19) VCF-style: chr16-89849332-G-A.
Other names: c.1567-6C>T (NM_001286167.3, NM_000135.2).
Identifiers: ClinVar variation 1118323 (VCV001118323.12), dbSNP rs377706883, ClinGen allele CA8252243.